The following is an entry in ClinVar:

ClinVar aggregate classification (germline): Uncertain significance (1 of 4 stars; one submission).

Submission:

GeneDx
Classification: Uncertain significance. Last evaluated: 2025-04-20. Review status: criteria provided, single submitter. Criteria: GeneDx Variant Classification Process June 2021. Collection method: clinical testing. Allele origin: germline. Affected: yes.
Comment: Not observed at significant frequency in large population cohorts (gnomAD); In silico analysis indicates that this missense variant does not alter protein structure/function; Has not been previously published as pathogenic or benign to our knowledge; This variant is associated with the following publications: (PMID: 18409179)

NM_000489.6(ATRX):c.742C>G (p.Leu248Val)

Gene: ATRX (ATRX chromatin remodeler; minus strand). Cytogenetic location: Xq21.1.
Variant type: single nucleotide variant.
Coding change: c.742C>G on transcript NM_000489.6 (MANE Select); coding-DNA position 742, C replaced by G.
Protein change: p.Leu248Val; replaces leucine 248 with valine.
Molecular consequence: missense variant.
Genome position (GRCh38, 1-based): chrX:77,684,514, G>C on the plus strand (C>G on the coding strand, the complement: ATRX is on the minus strand). VCF-style: chrX-77684514-G-C. GRCh37 (hg19) VCF-style: chrX-76940006-G-C.
Other names: c.628C>G, p.Leu210Val (NM_138270.5); short protein forms L210V, L248V.
Identifiers: ClinVar variation 4282235 (VCV004282235.1).